The following is an entry in ClinVar:

NM_004336.5(BUB1):c.683A>G (p.Lys228Arg)

Gene: BUB1 (BUB1 mitotic checkpoint serine/threonine kinase; minus strand). Cytogenetic location: 2q13.
Variant type: single nucleotide variant.
Coding change: c.683A>G on transcript NM_004336.5 (MANE Select); coding-DNA position 683, A replaced by G.
Protein change: p.Lys228Arg; replaces lysine 228 with arginine.
Molecular consequence: missense variant.
Genome position (GRCh38, 1-based): chr2:110,667,643, T>C on the plus strand (A>G on the coding strand, the complement: BUB1 is on the minus strand). VCF-style: chr2-110667643-T-C. GRCh37 (hg19) VCF-style: chr2-111425220-T-C.
Other names: c.623A>G, p.Lys208Arg (NM_001278616.2); c.683A>G, p.Lys228Arg (NM_001278617.2); short protein forms K208R, K228R.
Identifiers: ClinVar variation 1755724 (VCV001755724.4), dbSNP rs763409561, ClinGen allele CA1828271.

ClinVar aggregate classification (germline): Uncertain significance. Review status: criteria provided, multiple submitters, no conflicts (2 of 4 stars). 2 submissions from 2 submitters: Uncertain significance (2). Last evaluated 2024-05-16.

Allele frequency attached by ClinVar (database versions not stated): ExAC 0.00001; gnomAD exomes 0.00001; TOPMed 0.00001.
gnomAD v4.1: 16 of 1,613,908 alleles (0.00099%); highest among the groups gnomAD compares: Admixed American, 0.0017%; no homozygotes.

Submissions (2):

Labcorp Genetics (formerly Invitae), Labcorp
Classification: Uncertain significance. Last evaluated: 2024-05-16. Review status: criteria provided, single submitter. Criteria: Invitae Variant Classification Sherloc (09022015). Collection method: clinical testing. Allele origin: germline.
Comment: This sequence change replaces lysine, which is basic and polar, with arginine, which is basic and polar, at codon 228 of the BUB1 protein (p.Lys228Arg). This variant is present in population databases (rs763409561, gnomAD 0.003%). This variant has not been reported in the literature in individuals affected with BUB1-related conditions. ClinVar contains an entry for this variant (Variation ID: 1755724). Algorithms developed to predict the effect of missense changes on protein structure and function output the following: SIFT: "Not Available"; PolyPhen-2: "Not Available"; Align-GVGD: "Not Available". The arginine amino acid residue is found in multiple mammalian species, which suggests that this missense change does not adversely affect protein function. In summary, the available evidence is currently insufficient to determine the role of this variant in disease. Therefore, it has been classified as a Variant of Uncertain Significance.

Ambry Genetics
Classification: Uncertain significance. Last evaluated: 2023-09-19. Review status: criteria provided, single submitter. Criteria: Ambry Variant Classification Scheme 2023. Collection method: clinical testing. Allele origin: germline.
Comment: The p.K228R variant (also known as c.683A>G), located in coding exon 8 of the BUB1 gene, results from an A to G substitution at nucleotide position 683. The lysine at codon 228 is replaced by arginine, an amino acid with highly similar properties. This amino acid position is conserved. In addition, this alteration is predicted to be tolerated by in silico analysis. Since supporting evidence is limited at this time, the clinical significance of this alteration remains unclear.